The following is an entry in ClinVar:

NM_080680.3(COL11A2):c.3622C>G (p.Pro1208Ala)

Gene: COL11A2 (collagen type XI alpha 2 chain; minus strand). Cytogenetic location: 6p21.32.
Variant type: single nucleotide variant.
Coding change: c.3622C>G on transcript NM_080680.3 (MANE Select); coding-DNA position 3622, C replaced by G.
Protein change: p.Pro1208Ala; replaces proline 1208 with alanine.
Molecular consequence: missense variant.
Genome position (GRCh38, 1-based): chr6:33,170,061, G>C on the plus strand (C>G on the coding strand, the complement: COL11A2 is on the minus strand). VCF-style: chr6-33170061-G-C. GRCh37 (hg19) VCF-style: chr6-33137838-G-C.
Other names: c.3301C>G, p.Pro1101Ala (NM_080679.3); c.3364C>G, p.Pro1122Ala (NM_080681.3); c.3622C>G (NM_080680.2); short protein forms P1101A, P1208A, P1122A.
Identifiers: ClinVar variation 1518020 (VCV001518020.9), dbSNP rs374515005, ClinGen allele CA3750438.

ClinVar aggregate classification (germline): Conflicting classifications of pathogenicity. Review status: criteria provided, conflicting classifications (1 of 4 stars). 2 submissions from 2 submitters: Uncertain significance (1); Benign (1). Last evaluated 2025-08-07.

Allele frequency attached by ClinVar (database versions not stated): 1000 Genomes Project 30x 0.00062; 1000 Genomes Project 0.00060.
gnomAD v4.1: 47 of 1,613,034 alleles (0.0029%); highest among the groups gnomAD compares: African/African-American, 0.033%; no homozygotes.

Submissions (2):

Labcorp Genetics (formerly Invitae), Labcorp
Classification: Benign. Last evaluated: 2025-08-07. Review status: criteria provided, single submitter. Criteria: Invitae Variant Classification Sherloc (09022015). Collection method: clinical testing. Allele origin: germline.

GeneDx
Classification: Uncertain significance. Last evaluated: 2025-05-14. Review status: criteria provided, single submitter. Criteria: GeneDx Variant Classification Process June 2021. Collection method: clinical testing. Allele origin: germline. Affected: yes.
Comment: In silico analysis supports that this missense variant does not alter protein structure/function; Has not been previously published as pathogenic or benign to our knowledge